The following is an entry in ClinVar:

ClinVar aggregate classification (germline): Benign. Review status: criteria provided, multiple submitters, no conflicts (2 of 4 stars). 5 submissions from 5 submitters: Benign (5). Last evaluated 2026-02-02.

Conditions:
Autoinflammatory syndrome. Identifiers: Orphanet 93665, MedGen C3890737, MONDO:0019751.
Sterile multifocal osteomyelitis with periostitis and pustulosis. Also called: CHRONIC RECURRENT MULTIFOCAL OSTEOMYELITIS 2, WITH PERIOSTITIS AND PUSTULOSIS. Identifiers: Orphanet 210115, MedGen C2748507, MONDO:0013021, OMIM 612852.

Allele frequency attached by ClinVar (database versions not stated): gnomAD exomes 0.00126 and 0.00357; ExAC 0.00462; gnomAD 0.01317 and 0.01392; TOPMed 0.01511; ESP Exome Variant Server 0.01830; 1000 Genomes Project 0.01917; 1000 Genomes Project 30x 0.02108.
gnomAD v4.1: 3,900 of 1,613,490 alleles (0.24%); highest among the groups gnomAD compares: African/African-American, 4.7%; 102 homozygotes.

Submissions (10):

Labcorp Genetics (formerly Invitae), Labcorp
Classification: Benign for Sterile multifocal osteomyelitis with periostitis and pustulosis. Last evaluated: 2026-02-02. Review status: criteria provided, single submitter. Criteria: Invitae Variant Classification Sherloc (09022015). Collection method: clinical testing. Allele origin: germline.

Women's Health and Genetics/Laboratory Corporation of America, LabCorp
Classification: Benign. Last evaluated: 2026-01-22. Review status: criteria provided, single submitter. Criteria: LabCorp Variant Classification Summary - May 2015. Collection method: clinical testing. Allele origin: germline.

Genome Diagnostics Laboratory, The Hospital for Sick Children
Classification: Benign for Autoinflammatory syndrome. Last evaluated: 2021-06-23. Review status: criteria provided, single submitter. Criteria: ACMG Guidelines, 2015. Collection method: clinical testing. Allele origin: germline. Affected: yes.

Mayo Clinic Laboratories, Mayo Clinic
Classification: Benign. Last evaluated: 2020-10-20. Review status: criteria provided, single submitter. Criteria: ACMG Guidelines, 2015. Collection method: clinical testing. Allele origin: germline. Observed: 13 variant alleles.

Illumina Laboratory Services, Illumina
Classification: Benign for Sterile multifocal osteomyelitis with periostitis and pustulosis. Last evaluated: 2018-01-13. Review status: criteria provided, single submitter. Criteria: ICSL Variant Classification Criteria 13 December 2019. Collection method: clinical testing. Allele origin: germline.
Comment: This variant was observed in the ICSL laboratory as part of a predisposition screen in an ostensibly healthy population. It had not been previously curated by ICSL or reported in the Human Gene Mutation Database (HGMD: prior to June 1st, 2018), and was therefore a candidate for classification through an automated scoring system. Utilizing variant allele frequency, disease prevalence and penetrance estimates, and inheritance mode, an automated score was calculated to assess if this variant is too frequent to cause the disease. Based on the score and internal cut-off values, a variant classified as benign is not then subjected to further curation. The score for this variant resulted in a classification of benign for this disease.

Dr. Peter K. Rogan Lab, Western University
No classification provided (evidence only). Condition: Clear cell carcinoma of kidney. Review status: no classification provided. Collection method: in vitro. Allele origin: not applicable. Functional consequence: retained intron. Not counted in ClinVar's aggregate classification.

Dr. Peter K. Rogan Lab, Western University
No classification provided (evidence only). Condition: Lung cancer. Review status: no classification provided. Collection method: in vitro. Allele origin: not applicable. Functional consequence: retained intron. Not counted in ClinVar's aggregate classification.

Dr. Peter K. Rogan Lab, Western University
No classification provided (evidence only). Condition: Cervical cancer. Review status: no classification provided. Collection method: in vitro. Allele origin: not applicable. Functional consequence: retained intron. Not counted in ClinVar's aggregate classification.

Dr. Peter K. Rogan Lab, Western University
No classification provided (evidence only). Condition: Cervical cancer. Review status: no classification provided. Collection method: in vitro. Allele origin: not applicable. Functional consequence: retained intron. Not counted in ClinVar's aggregate classification.

Dr. Peter K. Rogan Lab, Western University
No classification provided (evidence only). Condition: Malignant tumor of esophagus. Review status: no classification provided. Collection method: in vitro. Allele origin: not applicable. Functional consequence: retained intron. Not counted in ClinVar's aggregate classification.

NM_173842.3(IL1RN):c.116+5G>A

Gene: IL1RN (interleukin 1 receptor antagonist; plus strand). Cytogenetic location: 2q14.1.
Variant type: single nucleotide variant.
Coding change: c.116+5G>A on transcript NM_173842.3 (MANE Select); 5 bases into the intron after coding-DNA position 116, G replaced by A.
Molecular consequence: intron variant.
Genome position (GRCh38, 1-based): chr2:113,127,745, G>A. VCF-style: chr2-113127745-G-A. GRCh37 (hg19) VCF-style: chr2-113885322-G-A.
Other names: c.14+5G>A (NM_001318914.2, NM_173843.3, NM_001379360.1); c.125+5G>A (NM_173841.3); c.62+5G>A (NM_000577.5).
Identifiers: ClinVar variation 330824 (VCV000330824.21), dbSNP rs4252004, ClinGen allele CA1838767.